The following is an entry in ClinVar:

ClinVar aggregate classification (germline): Uncertain significance (1 of 4 stars; one submission).

Conditions:
Charcot-Marie-Tooth disease axonal type 2O. Also called: Charcot-Marie-Tooth disease, axonal, type 20; CHARCOT-MARIE-TOOTH NEUROPATHY, AXONAL, TYPE 2O; CHARCOT-MARIE-TOOTH DISEASE, AXONAL, AUTOSOMAL DOMINANT, TYPE 2O; Charcot-Marie-Tooth Neuropathy Type 2O. Identifiers: Orphanet 284232, MedGen C3280220, MONDO:0013644, OMIM 614228.

Allele frequency attached by ClinVar (database versions not stated): ExAC 0.00001; TOPMed 0.00001.
gnomAD v4.1: 5 of 1,614,094 alleles (0.00031%); highest among the groups gnomAD compares: South Asian, 0.0011%; no homozygotes.

Submission:

Labcorp Genetics (formerly Invitae), Labcorp
Classification: Uncertain significance for Charcot-Marie-Tooth disease axonal type 2O. Last evaluated: 2025-10-01. Review status: criteria provided, single submitter. Criteria: Invitae Variant Classification Sherloc (09022015). Collection method: clinical testing. Allele origin: germline.
Comment: This sequence change replaces asparagine, which is neutral and polar, with serine, which is neutral and polar, at codon 1502 of the DYNC1H1 protein (p.Asn1502Ser). This variant is present in population databases (rs768457729, gnomAD 0.0009%). This variant has not been reported in the literature in individuals affected with DYNC1H1-related conditions. ClinVar contains an entry for this variant (Variation ID: 2717383). Invitae Evidence Modeling of protein sequence and biophysical properties (such as structural, functional, and spatial information, amino acid conservation, physicochemical variation, residue mobility, and thermodynamic stability) has been performed for this missense variant. However, the output from this modeling did not meet the statistical confidence thresholds required to predict the impact of this variant on DYNC1H1 protein function. In summary, the available evidence is currently insufficient to determine the role of this variant in disease. Therefore, it has been classified as a Variant of Uncertain Significance.

NM_001376.5(DYNC1H1):c.4505A>G (p.Asn1502Ser)

Gene: DYNC1H1 (dynein cytoplasmic 1 heavy chain 1; plus strand). Cytogenetic location: 14q32.31.
Variant type: single nucleotide variant.
Coding change: c.4505A>G on transcript NM_001376.5 (MANE Select); coding-DNA position 4505, A replaced by G.
Protein change: p.Asn1502Ser; replaces asparagine 1502 with serine.
Molecular consequence: missense variant.
Genome position (GRCh38, 1-based): chr14:102,001,644, A>G. VCF-style: chr14-102001644-A-G. GRCh37 (hg19) VCF-style: chr14-102467981-A-G.
Other names: short protein forms N1502S.
Identifiers: ClinVar variation 2717383 (VCV002717383.3), dbSNP rs768457729, ClinGen allele CA7352244.